The following is an entry in ClinVar:

NM_000085.5(CLCNKB):c.1257C>T (p.Ile419=)

Genes: CLCNKB (chloride voltage-gated channel Kb; plus strand), LOC106501713 (CLCNKB recombination region; plus strand). Cytogenetic location: 1p36.13.
Variant type: single nucleotide variant.
Coding change: c.1257C>T on transcript NM_000085.5 (MANE Select); coding-DNA position 1257, C replaced by T.
Protein change: p.Ile419=; no amino-acid change (isoleucine 419 retained).
Molecular consequence: synonymous variant.
Genome position (GRCh38, 1-based): chr1:16,051,507, C>T. VCF-style: chr1-16051507-C-T. GRCh37 (hg19) VCF-style: chr1-16378002-C-T.
Other names: c.750C>T, p.Ile250= (NM_001165945.2).
Identifiers: ClinVar variation 3234824 (VCV003234824.22), dbSNP rs751248175, ClinGen allele CA623770.

ClinVar aggregate classification (germline): Likely benign. Review status: criteria provided, multiple submitters, no conflicts (2 of 4 stars). 2 submissions from 2 submitters: Likely benign (2). Last evaluated 2024-04-01.

Allele frequency attached by ClinVar (database versions not stated): ExAC 0.00001; gnomAD exomes 0.00001; gnomAD 0.00003; TOPMed 0.00003.

Submissions (2):

CeGaT Center for Human Genetics Tuebingen
Classification: Likely benign. Last evaluated: 2024-04-01. Review status: criteria provided, single submitter. Criteria: CeGaT Center For Human Genetics Tuebingen Variant Classification Criteria Version 2. Collection method: clinical testing. Allele origin: germline. Affected: yes. Observed: 1 variant allele.
Comment: CLCNKB: BP4, BP7

Labcorp Genetics (formerly Invitae), Labcorp
Classification: Likely benign. Last evaluated: 2024-02-01. Review status: criteria provided, single submitter. Criteria: Invitae Variant Classification Sherloc (09022015). Collection method: clinical testing. Allele origin: germline.